The following is an entry in ClinVar:

NM_003998.4(NFKB1):c.2227+2T>C

Gene: NFKB1 (nuclear factor kappa B subunit 1; plus strand). Cytogenetic location: 4q24.
Variant type: single nucleotide variant.
Coding change: c.2227+2T>C on transcript NM_003998.4 (MANE Select); the canonical splice donor site of the intron after coding-DNA position 2227, T replaced by C.
Molecular consequence: splice donor variant.
Genome position (GRCh38, 1-based): chr4:102,607,753, T>C. VCF-style: chr4-102607753-T-C. GRCh37 (hg19) VCF-style: chr4-103528910-T-C.
Other names: c.2227+2T>C (NM_001382626.1, NM_001382625.1); c.2224+2T>C (NM_001382627.1, NM_001165412.2, NM_001319226.2); c.2185+2T>C (NM_001382628.1).
Identifiers: ClinVar variation 2052287 (VCV002052287.4), dbSNP rs1578829160, ClinGen allele CA357753053.

ClinVar aggregate classification (germline): Likely pathogenic (1 of 4 stars; one submission).

Submission:

Labcorp Genetics (formerly Invitae), Labcorp
Classification: Likely pathogenic. Last evaluated: 2021-12-21. Review status: criteria provided, single submitter. Criteria: Invitae Variant Classification Sherloc (09022015). Collection method: clinical testing. Allele origin: germline.
Comment: In summary, the currently available evidence indicates that the variant is pathogenic, but additional data are needed to prove that conclusively. Therefore, this variant has been classified as Likely Pathogenic. Algorithms developed to predict the effect of sequence changes on RNA splicing suggest that this variant may disrupt the consensus splice site. This variant has not been reported in the literature in individuals affected with NFKB1-related conditions. This variant is not present in population databases (gnomAD no frequency). This sequence change affects a donor splice site in intron 19 of the NFKB1 gene. It is expected to disrupt RNA splicing. Variants that disrupt the donor or acceptor splice site typically lead to a loss of protein function (PMID: 16199547), and loss-of-function variants in NFKB1 are known to be pathogenic (PMID: 26279205, 29477724).

Literature cited by the submitters: PubMed 16199547; PubMed 26279205; PubMed 29477724.